The following is an entry in ClinVar:

ClinVar aggregate classification (germline): Uncertain significance (1 of 4 stars; one submission).

gnomAD v4.1: 2 of 1,613,948 alleles (0.00012%); highest among the groups gnomAD compares: African/African-American, 0.0027%; no homozygotes.

Submission:

GeneDx
Classification: Uncertain significance. Last evaluated: 2024-03-06. Review status: criteria provided, single submitter. Criteria: GeneDx Variant Classification Process June 2021. Collection method: clinical testing. Allele origin: germline. Affected: yes.
Comment: Not observed at significant frequency in large population cohorts (gnomAD); In silico analysis supports that this missense variant does not alter protein structure/function; Has not been previously published as pathogenic or benign to our knowledge

NM_014363.6(SACS):c.2853C>G (p.His951Gln)

Gene: SACS (sacsin molecular chaperone; minus strand). Cytogenetic location: 13q12.12.
Variant type: single nucleotide variant.
Coding change: c.2853C>G on transcript NM_014363.6 (MANE Select); coding-DNA position 2853, C replaced by G.
Protein change: p.His951Gln; replaces histidine 951 with glutamine.
Molecular consequence: missense variant.
Genome position (GRCh38, 1-based): chr13:23,341,023, G>C on the plus strand (C>G on the coding strand, the complement: SACS is on the minus strand). VCF-style: chr13-23341023-G-C. GRCh37 (hg19) VCF-style: chr13-23915162-G-C.
Other names: c.2412C>G, p.His804Gln (NM_001278055.2); short protein forms H804Q, H951Q.
Identifiers: ClinVar variation 3373324 (VCV003373324.1).